The following is an entry in ClinVar:

NM_152383.5(DIS3L2):c.2375A>G (p.Gln792Arg)

Gene: DIS3L2 (DIS3 like 3'-5' exoribonuclease 2; plus strand). Cytogenetic location: 2q37.1.
Variant type: single nucleotide variant.
Coding change: c.2375A>G on transcript NM_152383.5 (MANE Select); coding-DNA position 2375, A replaced by G.
Protein change: p.Gln792Arg; replaces glutamine 792 with arginine.
Molecular consequence: missense variant. On other transcripts: non-coding transcript variant (2), intron variant (1).
Genome position (GRCh38, 1-based): chr2:232,334,716, A>G. VCF-style: chr2-232334716-A-G. GRCh37 (hg19) VCF-style: chr2-233199426-A-G.
Other names: c.1582-8629A>G (NM_001257281.2); short protein forms Q792R.
Identifiers: ClinVar variation 859798 (VCV000859798.9), dbSNP rs1695884429, ClinGen allele CA350978078.

ClinVar aggregate classification (germline): Uncertain significance (1 of 4 stars; one submission).

Conditions:
Perlman syndrome (PRLMNS). Identifiers: Orphanet 2849, MedGen C0796113, MONDO:0009965, OMIM 267000.

Allele frequency attached by ClinVar (database versions not stated): gnomAD exomes below 0.00001.
gnomAD v4.1: 1 of 1,608,006 alleles (0.000062%); highest among the groups gnomAD compares: Non-Finnish European, 0.000085%; no homozygotes.

Submission:

Labcorp Genetics (formerly Invitae), Labcorp
Classification: Uncertain significance for Perlman syndrome. Last evaluated: 2023-03-26. Review status: criteria provided, single submitter. Criteria: Invitae Variant Classification Sherloc (09022015). Collection method: clinical testing. Allele origin: germline.
Comment: In summary, the available evidence is currently insufficient to determine the role of this variant in disease. Therefore, it has been classified as a Variant of Uncertain Significance. This sequence change replaces glutamine, which is neutral and polar, with arginine, which is basic and polar, at codon 792 of the DIS3L2 protein (p.Gln792Arg). This variant is not present in population databases (gnomAD no frequency). This variant has not been reported in the literature in individuals affected with DIS3L2-related conditions. ClinVar contains an entry for this variant (Variation ID: 859798). Advanced modeling of protein sequence and biophysical properties (such as structural, functional, and spatial information, amino acid conservation, physicochemical variation, residue mobility, and thermodynamic stability) performed at Invitae indicates that this missense variant is not expected to disrupt DIS3L2 protein function.